The following is an entry in ClinVar:

NM_001369.3(DNAH5):c.13643G>A (p.Arg4548Lys)

Gene: DNAH5 (dynein axonemal heavy chain 5; minus strand). Cytogenetic location: 5p15.2.
Variant type: single nucleotide variant.
Coding change: c.13643G>A on transcript NM_001369.3 (MANE Select); coding-DNA position 13643, G replaced by A.
Protein change: p.Arg4548Lys; replaces arginine 4548 with lysine.
Molecular consequence: missense variant.
Genome position (GRCh38, 1-based): chr5:13,700,720, C>T on the plus strand (G>A on the coding strand, the complement: DNAH5 is on the minus strand). VCF-style: chr5-13700720-C-T. GRCh37 (hg19) VCF-style: chr5-13700829-C-T.
Other names: short protein forms R4548K.
Identifiers: ClinVar variation 1770896 (VCV001770896.2), dbSNP rs2546466919, ClinGen allele CA359191242.

ClinVar aggregate classification (germline): Uncertain significance (1 of 4 stars; one submission).

Conditions:
Primary ciliary dyskinesia. Also called: Ciliary dyskinesia. Identifiers: Orphanet 244, MedGen C0008780, MONDO:0016575, HP:0012265.

Submission:

Ambry Genetics
Classification: Uncertain significance for Primary ciliary dyskinesia. Last evaluated: 2022-09-26. Review status: criteria provided, single submitter. Criteria: Ambry Variant Classification Scheme 2023. Collection method: clinical testing. Allele origin: germline.
Comment: The p.R4548K variant (also known as c.13643G>A), located in coding exon 78 of the DNAH5 gene, results from a G to A substitution at nucleotide position 13643. The arginine at codon 4548 is replaced by lysine, an amino acid with highly similar properties. This amino acid position is conserved. In addition, this alteration is predicted to be tolerated by in silico analysis. Since supporting evidence is limited at this time, the clinical significance of this alteration remains unclear.